The following is an entry in ClinVar:

NM_000143.4(FH):c.140_147del (p.Gln47fs)

Gene: FH (fumarate hydratase; minus strand). Cytogenetic location: 1q43.
Variant type: Deletion.
Coding change: c.140_147del on transcript NM_000143.4 (MANE Select); coding-DNA positions 140 to 147, 8 bases deleted (AAAATTCC; older notation c.140_147delAAAATTCC).
Protein change: p.Gln47fs; shifts the reading frame from glutamine 47.
Molecular consequence: frameshift variant.
Genome position (GRCh38, 1-based): chr1:241,517,302-241,517,309, GGAATTTT deleted on the plus strand (AAAATTCC on the coding strand, the reverse complement: FH is on the minus strand); deleting any 8 consecutive bases within chr1:241,517,302-241,517,311 gives the same sequence; the c. name uses the placement nearest the transcript's 3' end. VCF-style (leftmost placement, unchanged base first): chr1-241517301-AGGAATTTT-A. GRCh37 (hg19) VCF-style: chr1-241680601-AGGAATTTT-A.
Other names: short protein forms Q47fs.
Identifiers: ClinVar variation 817022 (VCV000817022.2), dbSNP rs1573888556, ClinGen allele CA915942116.

ClinVar aggregate classification (germline): Pathogenic. Review status: criteria provided, multiple submitters, no conflicts (2 of 4 stars). 2 submissions from 2 submitters: Pathogenic (2). Last evaluated 2025-09-03.

Conditions:
Hereditary cancer-predisposing syndrome. Also called: Tumor predisposition; Hereditary neoplastic syndrome; Neoplastic Syndromes, Hereditary; Hereditary Cancer Syndrome. Identifiers: Orphanet 140162, MedGen C0027672, MeSH D009386, MONDO:0015356.

Submissions (2):

Ambry Genetics
Classification: Pathogenic for Hereditary cancer-predisposing syndrome. Last evaluated: 2025-09-03. Review status: criteria provided, single submitter. Criteria: Ambry Variant Classification Scheme 2023. Collection method: clinical testing. Allele origin: germline.
Comment: The c.140_147delAAAATTCC pathogenic mutation, located in coding exon 2 of the FH gene, results from a deletion of 8 nucleotides at nucleotide positions 140 to 147, causing a translational frameshift with a predicted alternate stop codon (p.Q47Lfs*6). This variant is considered to be rare based on population cohorts in the Genome Aggregation Database (gnomAD). This alteration is expected to result in loss of function by premature protein truncation or nonsense-mediated mRNA decay. As such, this alteration is interpreted as a disease-causing mutation.

GeneDx
Classification: Pathogenic. Last evaluated: 2019-10-02. Review status: criteria provided, single submitter. Criteria: GeneDx Variant Classification (06012015). Collection method: clinical testing. Allele origin: germline. Affected: yes.
Comment: Frameshift variant predicted to result in protein truncation or nonsense mediated decay in a gene for which loss-of-function is a known mechanism of disease; Not observed in large population cohorts (Lek et al., 2016); Identified in individuals with a personal and family history consistent with pathogenic variants in this gene referred for genetic testing at GeneDx; Has not been previously published as pathogenic or benign to our knowledge